The following is an entry in ClinVar:

NM_001364905.1(LRBA):c.2064T>C (p.His688=)

Gene: LRBA (LPS responsive beige-like anchor protein; minus strand). Cytogenetic location: 4q31.3.
Variant type: single nucleotide variant.
Coding change: c.2064T>C on transcript NM_001364905.1 (MANE Select); coding-DNA position 2064, T replaced by C.
Protein change: p.His688=; no amino-acid change (histidine 688 retained).
Molecular consequence: synonymous variant.
Genome position (GRCh38, 1-based): chr4:150,896,397, A>G on the plus strand (T>C on the coding strand, the complement: LRBA is on the minus strand). VCF-style: chr4-150896397-A-G. GRCh37 (hg19) VCF-style: chr4-151817549-A-G.
Other names: c.2064T>C, p.His688= (NM_001199282.3, NM_001367550.1, NM_006726.5).
Identifiers: ClinVar variation 540417 (VCV000540417.13), dbSNP rs145198687, ClinGen allele CA3103375.

ClinVar aggregate classification (germline): Likely benign. Review status: criteria provided, single submitter (1 of 4 stars). 2 submissions from 2 submitters: Likely benign (1). 1 of the submissions does not count toward it. Last evaluated 2025-07-28.

Conditions:
LRBA-related disorder. Also called: LRBA-related condition.
Combined immunodeficiency due to LRBA deficiency. Also called: Common variable immunodeficiency 8, with autoimmunity. Identifiers: Orphanet 445018, MedGen C3553512, MONDO:0013863, OMIM 614700.

Allele frequency attached by ClinVar (database versions not stated): gnomAD exomes 0.00002 and 0.00006; ExAC 0.00009; ESP Exome Variant Server 0.00015; 1000 Genomes Project 30x 0.00016; 1000 Genomes Project 0.00020; TOPMed 0.00022; gnomAD 0.00023 and 0.00025.

Submissions (2):

Labcorp Genetics (formerly Invitae), Labcorp
Classification: Likely benign for Combined immunodeficiency due to LRBA deficiency. Last evaluated: 2025-07-28. Review status: criteria provided, single submitter. Criteria: Invitae Variant Classification Sherloc (09022015). Collection method: clinical testing. Allele origin: germline.

PreventionGenetics, part of Exact Sciences
Classification: Likely benign for LRBA-related condition. Last evaluated: 2024-01-04. Review status: no assertion criteria provided. Collection method: clinical testing. Allele origin: germline. Not counted in ClinVar's aggregate classification.
Comment: This variant is classified as likely benign based on ACMG/AMP sequence variant interpretation guidelines (Richards et al. 2015 PMID: 25741868, with internal and published modifications).